The following is an entry in ClinVar:

ClinVar aggregate classification (germline): Likely pathogenic (1 of 4 stars; one submission).

Conditions:
FTL-related disorder. Also called: FTL-related condition.

Submission:

PreventionGenetics, part of Exact Sciences
Classification: Likely pathogenic for FTL-related condition. Last evaluated: 2025-05-23. Review status: criteria provided, single submitter. Criteria: ACMG Guidelines, 2015. Collection method: clinical testing. Allele origin: germline.
Comment: The FTL c.-163A>T variant is located in the 5' untranslated region. This variant is alternatively referred to as 37A>T or Zaragoza in the literature. It has been reported in the heterozygous state in individuals with hyperferritinemia-cataract syndrome, and segregates with the affected phenotype in one family (Ferrari et al. 2006. PubMed ID: 16395671; García Erce et al. 2006. PubMed ID: 16900584). This variant occurs within a highly conserved non-coding region known as the iron regulatory element, and other variants within this region, including additional variants at this position (c.-163A>G, c.-163A>C), have also been observed in patients with FTL-related autosomal dominant disorders (Ferrari et al. 2006. PubMed ID: 16395671; Cremonesi et al. 2003. PubMed ID: 12670350). This variant has not been reported in a large population database (gnomAD), indicating this variant is rare. This variant is interpreted as likely pathogenic.

NM_000146.4(FTL):c.-163A>T

Gene: FTL (ferritin light chain; plus strand). Cytogenetic location: 19q13.33.
Variant type: single nucleotide variant.
Coding change: c.-163A>T on transcript NM_000146.4 (MANE Select); 163 bases upstream of the start codon, A replaced by T.
Molecular consequence: 5 prime UTR variant.
Genome position (GRCh38, 1-based): chr19:48,965,345, A>T. VCF-style: chr19-48965345-A-T. GRCh37 (hg19) VCF-style: chr19-49468602-A-T.
Identifiers: ClinVar variation 4997410 (VCV004997410.1).